The following is an entry in ClinVar:

NM_007194.4(CHEK2):c.1143G>A (p.Met381Ile)

Gene: CHEK2 (checkpoint kinase 2; minus strand). Cytogenetic location: 22q12.1.
Variant type: single nucleotide variant.
Coding change: c.1143G>A on transcript NM_007194.4 (MANE Select); coding-DNA position 1143, G replaced by A.
Protein change: p.Met381Ile; replaces methionine 381 with isoleucine.
Molecular consequence: missense variant.
Genome position (GRCh38, 1-based): chr22:28,695,826, C>T on the plus strand (G>A on the coding strand, the complement: CHEK2 is on the minus strand). VCF-style: chr22-28695826-C-T. GRCh37 (hg19) VCF-style: chr22-29091814-C-T.
Other names: c.1272G>A, p.Met424Ile (NM_001005735.3); c.480G>A, p.Met160Ile (NM_001257387.3); c.942G>A, p.Met314Ile (NM_001349956.3); c.1056G>A, p.Met352Ile (NM_145862.3); short protein forms M160I, M381I, M314I, M352I, M424I.
Identifiers: ClinVar variation 822235 (VCV000822235.9), dbSNP rs1601723143, ClinGen allele CA411096940.

ClinVar aggregate classification (germline): Uncertain significance. Review status: criteria provided, multiple submitters, no conflicts (2 of 4 stars). 2 submissions from 2 submitters: Uncertain significance (2). Last evaluated 2023-09-21.

Conditions:
Hereditary cancer-predisposing syndrome. Also called: Tumor predisposition; Hereditary Cancer Syndrome; Neoplastic Syndromes, Hereditary; Hereditary neoplastic syndrome. Identifiers: Orphanet 140162, MedGen C0027672, MeSH D009386, MONDO:0015356.
Familial cancer of breast. Also called: BREAST CANCER, FAMILIAL; Hereditary breast cancer; hereditary breast carcinoma. Identifiers: Orphanet 227535, MedGen C0346153, MONDO:0016419, OMIM 114480. Disease mechanism: loss of function.

Allele frequency attached by ClinVar (database versions not stated): gnomAD exomes below 0.00001.
gnomAD v4.1: 2 of 1,613,816 alleles (0.00012%); highest among the groups gnomAD compares: Non-Finnish European, 0.00017%; no homozygotes.

Submissions (2):

Labcorp Genetics (formerly Invitae), Labcorp
Classification: Uncertain significance for Familial cancer of breast. Last evaluated: 2023-09-21. Review status: criteria provided, single submitter. Criteria: Invitae Variant Classification Sherloc (09022015). Collection method: clinical testing. Allele origin: germline.
Comment: In summary, the available evidence is currently insufficient to determine the role of this variant in disease. Therefore, it has been classified as a Variant of Uncertain Significance. An algorithm developed to predict the effect of missense changes on protein structure and function (PolyPhen-2) suggests that this variant is likely to be disruptive. ClinVar contains an entry for this variant (Variation ID: 822235). This variant has not been reported in the literature in individuals affected with CHEK2-related conditions. This variant is not present in population databases (gnomAD no frequency). This sequence change replaces methionine, which is neutral and non-polar, with isoleucine, which is neutral and non-polar, at codon 381 of the CHEK2 protein (p.Met381Ile).

Ambry Genetics
Classification: Uncertain significance for Hereditary cancer-predisposing syndrome. Last evaluated: 2023-06-28. Review status: criteria provided, single submitter. Criteria: Ambry Variant Classification Scheme 2023. Collection method: clinical testing. Allele origin: germline.
Comment: The p.M381I variant (also known as c.1143G>A), located in coding exon 10 of the CHEK2 gene, results from a G to A substitution at nucleotide position 1143. The methionine at codon 381 is replaced by isoleucine, an amino acid with highly similar properties. This amino acid position is highly conserved in available vertebrate species. In addition, the in silico prediction for this alteration is inconclusive. Since supporting evidence is limited at this time, the clinical significance of this alteration remains unclear.